The following is an entry in ClinVar:

ClinVar aggregate classification (germline): Uncertain significance (1 of 4 stars; one submission).

Conditions:
Dilated cardiomyopathy 1O (CMD1O). Also called: CARDIOMYOPATHY, DILATED, WITH VENTRICULAR TACHYCARDIA. Identifiers: Orphanet 154, MedGen C1837839, MONDO:0012062, OMIM 608569.

Allele frequency attached by ClinVar (database versions not stated): gnomAD exomes below 0.00001.
gnomAD v4.1: 4 of 1,613,508 alleles (0.00025%); highest among the groups gnomAD compares: Non-Finnish European, 0.00034%; no homozygotes.

Submission:

Labcorp Genetics (formerly Invitae), Labcorp
Classification: Uncertain significance for Dilated cardiomyopathy 1O. Last evaluated: 2022-03-11. Review status: criteria provided, single submitter. Criteria: Invitae Variant Classification Sherloc (09022015). Collection method: clinical testing. Allele origin: germline.
Comment: In summary, the available evidence is currently insufficient to determine the role of this variant in disease. Therefore, it has been classified as a Variant of Uncertain Significance. Algorithms developed to predict the effect of missense changes on protein structure and function (SIFT, PolyPhen-2, Align-GVGD) all suggest that this variant is likely to be tolerated. This variant has not been reported in the literature in individuals affected with ABCC9-related conditions. This variant is present in population databases (no rsID available, gnomAD 0.0009%). This sequence change replaces glycine, which is neutral and non-polar, with arginine, which is basic and polar, at codon 622 of the ABCC9 protein (p.Gly622Arg).

NM_020297.4(ABCC9):c.1864G>C (p.Gly622Arg)

Gene: ABCC9 (ATP binding cassette subfamily C member 9; minus strand). Cytogenetic location: 12p12.1.
Variant type: single nucleotide variant.
Coding change: c.1864G>C on transcript NM_020297.4 (MANE Select); coding-DNA position 1864, G replaced by C.
Protein change: p.Gly622Arg; replaces glycine 622 with arginine.
Molecular consequence: missense variant.
Genome position (GRCh38, 1-based): chr12:21,887,873, C>G on the plus strand (G>C on the coding strand, the complement: ABCC9 is on the minus strand). VCF-style: chr12-21887873-C-G. GRCh37 (hg19) VCF-style: chr12-22040807-C-G.
Other names: c.1864G>C, p.Gly622Arg (NM_001377273.1, NM_005691.4); c.1000G>C, p.Gly334Arg (NM_001377274.1); short protein forms G622R, G334R.
Identifiers: ClinVar variation 2108954 (VCV002108954.4), dbSNP rs1162908781, ClinGen allele CA384135855.